The following is an entry in ClinVar:

NM_003024.3(ITSN1):c.2812G>T (p.Asp938Tyr)

Gene: ITSN1 (intersectin 1; plus strand). Cytogenetic location: 21q22.11.
Variant type: single nucleotide variant.
Coding change: c.2812G>T on transcript NM_003024.3 (MANE Select); coding-DNA position 2812, G replaced by T.
Protein change: p.Asp938Tyr; replaces aspartic acid 938 with tyrosine.
Molecular consequence: missense variant.
Genome position (GRCh38, 1-based): chr21:33,818,351, G>T. VCF-style: chr21-33818351-G-T. GRCh37 (hg19) VCF-style: chr21-35190655-G-T.
Other names: c.2812G>T, p.Asp938Tyr (NM_001001132.2, NM_001331008.2); c.2797G>T, p.Asp933Tyr (NM_001331009.2, NM_001331010.2, NM_001331011.2); c.2686G>T, p.Asp896Tyr (NM_001331012.2); short protein forms D896Y, D933Y, D938Y.
Identifiers: ClinVar variation 3373695 (VCV003373695.1).

ClinVar aggregate classification (germline): Uncertain significance (1 of 4 stars; one submission).

Submission:

GeneDx
Classification: Uncertain significance. Last evaluated: 2024-03-06. Review status: criteria provided, single submitter. Criteria: GeneDx Variant Classification Process June 2021. Collection method: clinical testing. Allele origin: germline. Affected: yes.
Comment: Not observed at significant frequency in large population cohorts (gnomAD); In silico analysis supports that this missense variant has a deleterious effect on protein structure/function; Has not been previously published as pathogenic or benign to our knowledge